The following is an entry in ClinVar:

ClinVar aggregate classification (germline): Uncertain significance (1 of 4 stars; one submission).

Conditions:
Familial adenomatous polyposis 2. Also called: MYH-associated polyposis; FAP type 2; ADENOMAS, MULTIPLE COLORECTAL, AUTOSOMAL RECESSIVE; MUTYH Polyposis; MUTYH-associated polyposis; MUTYH-related attenuated familial adenomatous polyposis. Identifiers: Orphanet 220460, Orphanet 247798, MedGen C3272841, MONDO:0012041, OMIM 608456.

Submission:

Labcorp Genetics (formerly Invitae), Labcorp
Classification: Uncertain significance for MYH-associated polyposis. Last evaluated: 2015-04-08. Review status: criteria provided, single submitter. Criteria: Invitae Variant Classification Sherloc (09022015). Collection method: clinical testing. Allele origin: germline.
Comment: A gross duplication of the genomic region encompassing the full coding sequence of the MUTYH gene has been identified. The 5' and 3' boundaries of this CNV are unknown. This variant has not been published in the literature, and gross duplications of MUTYH have not been reported. The exact position of the duplicated sequence cannot be determined from this data, and the effect of this variant is unknown. Therefore, it has been classified as a Variant of Uncertain Significance.

NM_001128425.1(MUTYH):c.(?_-1)_(*1_?)dup

Gene: MUTYH (mutY DNA glycosylase; minus strand). Cytogenetic location: 1p34.1.
Variant type: Duplication.
Coding change: c.(?_-1)_(*1_?)dup on transcript NM_001128425.1; a large duplication whose breakpoints are not mapped to the base.
Other names: c.(?_-1)_(*1_?)dup (LRG_220t1).
Identifiers: ClinVar variation 216516 (VCV000216516.1).